The following is an entry in ClinVar:

NM_002335.4(LRP5):c.3707C>T (p.Pro1236Leu)

Gene: LRP5 (LDL receptor related protein 5; plus strand). Cytogenetic location: 11q13.2.
Variant type: single nucleotide variant.
Coding change: c.3707C>T on transcript NM_002335.4 (MANE Select); coding-DNA position 3707, C replaced by T.
Protein change: p.Pro1236Leu; replaces proline 1236 with leucine.
Molecular consequence: missense variant.
Genome position (GRCh38, 1-based): chr11:68,429,644, C>T. VCF-style: chr11-68429644-C-T. GRCh37 (hg19) VCF-style: chr11-68197112-C-T.
Other names: c.1964C>T, p.Pro655Leu (NM_001291902.2); c.3707C>T (NM_002335.2); short protein forms P1236L, P655L.
Identifiers: ClinVar variation 1004194 (VCV001004194.7), dbSNP rs759711110, ClinGen allele CA6150078.

ClinVar aggregate classification (germline): Uncertain significance. Review status: criteria provided, multiple submitters, no conflicts (2 of 4 stars). 2 submissions from 2 submitters: Uncertain significance (2). Last evaluated 2025-02-20.

Conditions:
Inborn genetic diseases. Identifiers: MedGen C0950123, MeSH D030342.

Allele frequency attached by ClinVar (database versions not stated): ExAC 0.00001; gnomAD exomes 0.00001 and 0.00002; gnomAD 0.00003 and 0.00004; TOPMed 0.00009.
gnomAD v4.1: 16 of 1,614,054 alleles (0.00099%); highest among the groups gnomAD compares: Admixed American, 0.018%; no homozygotes.

Submissions (2):

Labcorp Genetics (formerly Invitae), Labcorp
Classification: Uncertain significance. Last evaluated: 2025-02-20. Review status: criteria provided, single submitter. Criteria: Invitae Variant Classification Sherloc (09022015). Collection method: clinical testing. Allele origin: germline.
Comment: This sequence change replaces proline, which is neutral and non-polar, with leucine, which is neutral and non-polar, at codon 1236 of the LRP5 protein (p.Pro1236Leu). This variant is present in population databases (rs759711110, gnomAD 0.01%). This variant has not been reported in the literature in individuals affected with LRP5-related conditions. ClinVar contains an entry for this variant (Variation ID: 1004194). Invitae Evidence Modeling of protein sequence and biophysical properties (such as structural, functional, and spatial information, amino acid conservation, physicochemical variation, residue mobility, and thermodynamic stability) indicates that this missense variant is not expected to disrupt LRP5 protein function with a negative predictive value of 95%. In summary, the available evidence is currently insufficient to determine the role of this variant in disease. Therefore, it has been classified as a Variant of Uncertain Significance.

Ambry Genetics
Classification: Uncertain significance for Inborn genetic diseases. Last evaluated: 2025-02-13. Review status: criteria provided, single submitter. Criteria: Ambry Variant Classification Scheme 2023. Collection method: clinical testing. Allele origin: germline.